The following is an entry in ClinVar:

ClinVar aggregate classification (germline): Uncertain significance (1 of 4 stars; one submission).

Submission:

GeneDx
Classification: Uncertain significance. Last evaluated: 2025-07-03. Review status: criteria provided, single submitter. Criteria: GeneDx Variant Classification Process June 2021. Collection method: clinical testing. Allele origin: germline. Affected: yes.
Comment: Has not been previously published as pathogenic or benign to our knowledge; In-frame deletion of 2 amino acids in a non-repeat region; In silico analysis supports a deleterious effect on protein structure/function; Not observed at significant frequency in large population cohorts (gnomAD)

NM_001394998.1(TANC2):c.2709_2714del (p.Gly904_Val905del)

Genes: TANC2 (tetratricopeptide repeat, ankyrin repeat and coiled-coil containing 2; plus strand), LOC105371856 (uncharacterized LOC105371856; minus strand). Cytogenetic location: 17q23.3.
Variant type: Deletion.
Coding change: c.2709_2714del on transcript NM_001394998.1 (MANE Select); coding-DNA positions 2709 to 2714, 6 bases deleted (TGGTGT; older notation c.2709_2714delTGGTGT).
Protein change: p.Gly904_Val905del.
Molecular consequence: inframe deletion.
Genome position (GRCh38, 1-based): chr17:63,388,652-63,388,657, TGGTGT deleted; deleting any 6 consecutive bases within chr17:63,388,650-63,388,657 gives the same sequence; the c. name uses the placement nearest the transcript's 3' end. VCF-style (leftmost placement, unchanged base first): chr17-63388649-AGTTGGT-A. GRCh37 (hg19) VCF-style: chr17-61466010-AGTTGGT-A.
Other names: c.2487_2492del, p.Gly830_Val831del (NM_001411076.1, NM_025185.4).
Identifiers: ClinVar variation 4680883 (VCV004680883.1).